The following is an entry in ClinVar:

NM_001165963.4(SCN1A):c.5554A>G (p.Met1852Val)

Genes: SCN1A (sodium voltage-gated channel alpha subunit 1; minus strand), LOC102724058 (uncharacterized LOC102724058; plus strand). Cytogenetic location: 2q24.3.
Variant type: single nucleotide variant.
Coding change: c.5554A>G on transcript NM_001165963.4 (MANE Select); coding-DNA position 5554, A replaced by G.
Protein change: p.Met1852Val; replaces methionine 1852 with valine.
Molecular consequence: missense variant. On other transcripts: non-coding transcript variant (1).
Genome position (GRCh38, 1-based): chr2:165,991,721, T>C on the plus strand (A>G on the coding strand, the complement: SCN1A is on the minus strand). VCF-style: chr2-165991721-T-C. GRCh37 (hg19) VCF-style: chr2-166848231-T-C.
Other names: c.5470A>G, p.Met1824Val (NM_001165964.3, NM_001353957.2, NM_001353958.2); c.5554A>G, p.Met1852Val (NM_001202435.3, NM_001353948.2); c.5521A>G, p.Met1841Val (NM_001353949.2, NM_001353950.2, NM_001353951.2 and 2 more transcripts); c.5518A>G, p.Met1840Val (NM_001353954.2, NM_001353955.2); c.5467A>G, p.Met1823Val (NM_001353960.2); c.3112A>G, p.Met1038Val (NM_001353961.2); short protein forms M1038V, M1823V, M1840V, M1824V, M1841V, M1852V.
Identifiers: ClinVar variation 2841279 (VCV002841279.4), dbSNP rs2468329981, ClinGen allele CA349065469.

ClinVar aggregate classification (germline): Likely pathogenic. Review status: criteria provided, multiple submitters, no conflicts (2 of 4 stars). 2 submissions from 2 submitters: Likely pathogenic (2). Last evaluated 2023-12-27.

Conditions:
Early-infantile DEE. Also called: Early infantile epileptic encephalopathy; Ohtahara syndrome; Early infantile epileptic encephalopathy with suppression bursts. Identifiers: Orphanet 1934, MedGen C0393706, MONDO:0800491.
SCN1A-related disorder. Also called: SCN1A-related conditions; SCN1A-related condition; SCN1A-related disorders.

Submissions (2):

Labcorp Genetics (formerly Invitae), Labcorp
Classification: Likely pathogenic for Early-infantile DEE. Last evaluated: 2023-12-27. Review status: criteria provided, single submitter. Criteria: Invitae Variant Classification Sherloc (09022015). Collection method: clinical testing. Allele origin: germline.
Comment: This sequence change replaces methionine, which is neutral and non-polar, with valine, which is neutral and non-polar, at codon 1852 of the SCN1A protein (p.Met1852Val). This variant is not present in population databases (gnomAD no frequency). This variant has not been reported in the literature in individuals affected with SCN1A-related conditions. Advanced modeling of protein sequence and biophysical properties (such as structural, functional, and spatial information, amino acid conservation, physicochemical variation, residue mobility, and thermodynamic stability) performed at Invitae indicates that this missense variant is expected to disrupt SCN1A protein function with a positive predictive value of 95%. This variant disrupts the p.Met1852 amino acid residue in SCN1A. Other variant(s) that disrupt this residue have been determined to be pathogenic (PMID: 12919402, 26096185, 31019026). This suggests that this residue is clinically significant, and that variants that disrupt this residue are likely to be disease-causing. In summary, the currently available evidence indicates that the variant is pathogenic, but additional data are needed to prove that conclusively. Therefore, this variant has been classified as Likely Pathogenic.

Blueprint Genetics
Classification: Likely pathogenic for SCN1A-related disorders. Last evaluated: 2023-11-13. Review status: criteria provided, single submitter. Criteria: ACMG Guidelines, 2015. Collection method: clinical testing. Allele origin: germline. Affected: yes. Observed: 2 variant alleles.

Literature cited by the submitters: PubMed 12919402 (cited by Labcorp Genetics (formerly Invitae), Labcorp); PubMed 26096185 (cited by Labcorp Genetics (formerly Invitae), Labcorp); PubMed 31019026 (cited by Labcorp Genetics (formerly Invitae), Labcorp).